The following is an entry in ClinVar:

NM_005188.4(CBL):c.1460T>C (p.Met487Thr)

Gene: CBL (Cbl proto-oncogene; plus strand). Cytogenetic location: 11q23.3.
Variant type: single nucleotide variant.
Coding change: c.1460T>C on transcript NM_005188.4 (MANE Select); coding-DNA position 1460, T replaced by C.
Protein change: p.Met487Thr; replaces methionine 487 with threonine.
Molecular consequence: missense variant.
Genome position (GRCh38, 1-based): chr11:119,284,997, T>C. VCF-style: chr11-119284997-T-C. GRCh37 (hg19) VCF-style: chr11-119155707-T-C.
Other names: c.1460T>C (NM_005188.2); short protein forms M487T.
Identifiers: ClinVar variation 570675 (VCV000570675.11), dbSNP rs995860476, ClinGen allele CA229641807.

ClinVar aggregate classification (germline): Uncertain significance. Review status: criteria provided, multiple submitters, no conflicts (2 of 4 stars). 3 submissions from 3 submitters: Uncertain significance (3). Last evaluated 2025-07-09.

Conditions:
RASopathy. Also called: rasopathies; Noonan spectrum disorder. Identifiers: Orphanet 536391, MedGen C5555857, MONDO:0021060.
Cardiovascular phenotype. Identifiers: MedGen CN230736.

Allele frequency attached by ClinVar (database versions not stated): gnomAD exomes below 0.00001; gnomAD 0.00001.

Submissions (3):

Ambry Genetics
Classification: Uncertain significance for Cardiovascular phenotype. Last evaluated: 2025-07-09. Review status: criteria provided, single submitter. Criteria: Ambry Variant Classification Scheme 2023. Collection method: clinical testing. Allele origin: germline.
Comment: The p.M487T variant (also known as c.1460T>C), located in coding exon 10 of the CBL gene, results from a T to C substitution at nucleotide position 1460. The methionine at codon 487 is replaced by threonine, an amino acid with similar properties. This amino acid position is conserved. In addition, this alteration is predicted to be tolerated by in silico analysis. Based on the available evidence, the clinical significance of this variant remains unclear.

GeneDx
Classification: Uncertain significance. Last evaluated: 2025-06-12. Review status: criteria provided, single submitter. Criteria: GeneDx Variant Classification Process June 2021. Collection method: clinical testing. Allele origin: germline. Affected: yes.
Comment: In silico analysis suggests that this missense variant does not alter protein structure/function; Has not been previously published as pathogenic or benign to our knowledge; This variant is associated with the following publications: (PMID: 20619386)

Labcorp Genetics (formerly Invitae), Labcorp
Classification: Uncertain significance for RASopathy. Last evaluated: 2018-08-03. Review status: criteria provided, single submitter. Criteria: Invitae Variant Classification Sherloc (09022015). Collection method: clinical testing. Allele origin: germline.
Comment: This sequence change replaces methionine with threonine at codon 487 of the CBL protein (p.Met487Thr). The methionine residue is weakly conserved and there is a moderate physicochemical difference between methionine and threonine. This variant is not present in population databases (ExAC no frequency). This variant has not been reported in the literature in individuals with CBL-related disease. Algorithms developed to predict the effect of missense changes on protein structure and function output the following: SIFT: "Tolerated"; PolyPhen-2: "Benign"; Align-GVGD: "Class C0". The threonine amino acid residue is found in multiple mammalian species, suggesting that this missense change does not adversely affect protein function. These predictions have not been confirmed by published functional studies and their clinical significance is uncertain. In summary, the available evidence is currently insufficient to determine the role of this variant in disease. Therefore, it has been classified as a Variant of Uncertain Significance.